The following is an entry in ClinVar:

ClinVar aggregate classification (germline): Uncertain significance. Review status: criteria provided, multiple submitters, no conflicts (2 of 4 stars). 4 submissions from 4 submitters: Uncertain significance (4). Last evaluated 2025-08-10.

Conditions:
Acrocallosal syndrome (ACLS). Also called: Schinzel syndrome 1; Absence of corpus callosum with unusual facial appearance, mental deficiency, duplication of the halluces and polydactyly; HALLUX DUPLICATION, POSTAXIAL POLYDACTYLY, AND ABSENCE OF CORPUS CALLOSUM. Identifiers: Orphanet 36, MedGen C0796147, MONDO:0008708, OMIM 200990.
Multiple epiphyseal dysplasia, Al-Gazali type. Also called: Macrocephaly with multiple epiphyseal dysplasia and distinctive facies. Identifiers: Orphanet 166024, MedGen C1846722, MONDO:0011778, OMIM 607131.
Hydrolethalus syndrome 2 (HLS2). Identifiers: Orphanet 2189, MedGen C3279899, MONDO:0013585, OMIM 614120.
Inborn genetic diseases. Identifiers: MedGen C0950123, MeSH D030342.

Allele frequency attached by ClinVar (database versions not stated): 1000 Genomes Project 30x 0.00031.
gnomAD v4.1: 57 of 1,551,386 alleles (0.0037%); highest among the groups gnomAD compares: East Asian, 0.032%; no homozygotes.

Submissions (4):

Ambry Genetics
Classification: Uncertain significance for Inborn genetic diseases. Last evaluated: 2025-08-10. Review status: criteria provided, single submitter. Criteria: Ambry Variant Classification Scheme 2023. Collection method: clinical testing. Allele origin: germline.

Labcorp Genetics (formerly Invitae), Labcorp
Classification: Uncertain significance for Acrocallosal syndrome. Last evaluated: 2024-11-11. Review status: criteria provided, single submitter. Criteria: Invitae Variant Classification Sherloc (09022015). Collection method: clinical testing. Allele origin: germline.
Comment: This sequence change replaces phenylalanine, which is neutral and non-polar, with leucine, which is neutral and non-polar, at codon 83 of the KIF7 protein (p.Phe83Leu). This variant is present in population databases (rs770614646, gnomAD 0.08%). This variant has not been reported in the literature in individuals affected with KIF7-related conditions. ClinVar contains an entry for this variant (Variation ID: 1508281). Invitae Evidence Modeling of protein sequence and biophysical properties (such as structural, functional, and spatial information, amino acid conservation, physicochemical variation, residue mobility, and thermodynamic stability) indicates that this missense variant is not expected to disrupt KIF7 protein function with a negative predictive value of 80%. In summary, the available evidence is currently insufficient to determine the role of this variant in disease. Therefore, it has been classified as a Variant of Uncertain Significance.

Fulgent Genetics
Classification: Uncertain significance for Acrocallosal syndrome; Multiple epiphyseal dysplasia, Al-Gazali type; Hydrolethalus syndrome 2. Last evaluated: 2024-06-15. Review status: criteria provided, single submitter. Criteria: ACMG Guidelines, 2015. Collection method: clinical testing. Allele origin: germline.

Blueprint Genetics
Classification: Uncertain significance. Last evaluated: 2023-12-19. Review status: criteria provided, single submitter. Criteria: ACMG Guidelines, 2015. Collection method: clinical testing. Allele origin: germline.

NM_198525.3(KIF7):c.247T>C (p.Phe83Leu)

Gene: KIF7 (kinesin family member 7; minus strand). Cytogenetic location: 15q26.1.
Variant type: single nucleotide variant.
Coding change: c.247T>C on transcript NM_198525.3 (MANE Select); coding-DNA position 247, T replaced by C.
Protein change: p.Phe83Leu; replaces phenylalanine 83 with leucine.
Molecular consequence: missense variant.
Genome position (GRCh38, 1-based): chr15:89,652,684, A>G on the plus strand (T>C on the coding strand, the complement: KIF7 is on the minus strand). VCF-style: chr15-89652684-A-G. GRCh37 (hg19) VCF-style: chr15-90195915-A-G.
Other names: c.247T>C (NM_198525.2); short protein forms F83L.
Identifiers: ClinVar variation 1508281 (VCV001508281.11), dbSNP rs770614646, ClinGen allele CA7728672.